The following is an entry in ClinVar:

ClinVar aggregate classification (germline): Uncertain significance. Review status: criteria provided, multiple submitters, no conflicts (2 of 4 stars). 2 submissions from 2 submitters: Uncertain significance (2). Last evaluated 2025-06-21.

Conditions:
Cardiovascular phenotype. Identifiers: MedGen CN230736.

Submissions (2):

GeneDx
Classification: Uncertain significance. Last evaluated: 2025-06-21. Review status: criteria provided, single submitter. Criteria: GeneDx Variant Classification Process June 2021. Collection method: clinical testing. Allele origin: germline. Affected: yes.
Comment: Not observed at significant frequency in large population cohorts (gnomAD); In silico analysis supports that this missense variant has a deleterious effect on protein structure/function; Has not been previously published as pathogenic or benign to our knowledge

Ambry Genetics
Classification: Uncertain significance for Cardiovascular phenotype. Last evaluated: 2025-05-08. Review status: criteria provided, single submitter. Criteria: Ambry Variant Classification Scheme 2023. Collection method: clinical testing. Allele origin: germline.
Comment: The p.T659R variant (also known as c.1976C>G), located in coding exon 18 of the ANK2 gene, results from a C to G substitution at nucleotide position 1976. The threonine at codon 659 is replaced by arginine, an amino acid with similar properties. This amino acid position is conserved. In addition, the in silico prediction for this alteration is inconclusive. Based on the available evidence, the clinical significance of this variant remains unclear.

NM_001148.6(ANK2):c.1976C>G (p.Thr659Arg)

Gene: ANK2 (ankyrin 2; plus strand). Cytogenetic location: 4q26.
Variant type: single nucleotide variant.
Coding change: c.1976C>G on transcript NM_001148.6 (MANE Select); coding-DNA position 1976, C replaced by G.
Protein change: p.Thr659Arg; replaces threonine 659 with arginine.
Molecular consequence: missense variant.
Genome position (GRCh38, 1-based): chr4:113,282,769, C>G. VCF-style: chr4-113282769-C-G. GRCh37 (hg19) VCF-style: chr4-114203925-C-G.
Other names: c.2021C>G, p.Thr674Arg (NM_001354237.2, NM_001354240.2, NM_001354241.2 and 5 more transcripts); c.1913C>G, p.Thr638Arg (NM_001354239.2, NM_001354243.2, NM_001354244.2 and 10 more transcripts); c.1877C>G, p.Thr626Arg (NM_001354245.2, NM_001354268.2); c.1976C>G, p.Thr659Arg (NM_001354246.2, NM_001354265.2, NM_001354225.2 and 6 more transcripts); c.1889C>G, p.Thr630Arg (NM_001354264.2, NM_001354266.2, NM_001354267.2 and 10 more transcripts); c.1766C>G, p.Thr589Arg (NM_001354269.3); c.1814C>G, p.Thr605Arg (NM_001354270.2, NM_001386156.1, NM_001354253.2 and 1 more transcripts); c.1790C>G, p.Thr597Arg (NM_001354271.2, NM_001386151.1, NM_001354260.2); and 8 more; short protein forms T531R, T589R, T597R, T630R, T655R, T605R, T626R, T638R.
Identifiers: ClinVar variation 4051129 (VCV004051129.2).
Genomic context (GRCh38, chr4:113,282,769, plus strand): 5'-AGAATCAAATGCAGATAGCTTCCACACTCCTGAACTATGGAGCAGAGACAAACATTGTGA[C>G]AAAGCAAGGAGTAACTCCACTCCATCTGGCCTCGCAGGAGGGGCACACAGATATGGTTAC-3'
Protein context (NP_001139.3, residues 649-669): LNYGAETNIV[Thr659Arg]KQGVTPLHLA